The following is an entry in ClinVar:

NM_007078.3(LDB3):c.157G>A (p.Asp53Asn)

Gene: LDB3 (LIM domain binding 3; plus strand). Cytogenetic location: 10q23.2.
Variant type: single nucleotide variant.
Coding change: c.157G>A on transcript NM_007078.3 (MANE Select); coding-DNA position 157, G replaced by A.
Protein change: p.Asp53Asn; replaces aspartic acid 53 with asparagine.
Molecular consequence: missense variant.
Genome position (GRCh38, 1-based): chr10:86,679,430, G>A. VCF-style: chr10-86679430-G-A. GRCh37 (hg19) VCF-style: chr10-88439187-G-A.
Other names: c.157G>A, p.Asp53Asn (NM_001080114.2, NM_001080115.2, NM_001080116.1 and 8 more transcripts); short protein forms D53N.
Identifiers: ClinVar variation 1305240 (VCV001305240.9), dbSNP rs2132360328, ClinGen allele CA377451254.

ClinVar aggregate classification (germline): Uncertain significance. Review status: criteria provided, multiple submitters, no conflicts (2 of 4 stars). 2 submissions from 2 submitters: Uncertain significance (2). Last evaluated 2023-07-07.

Conditions:
Myofibrillar myopathy 4. Also called: Zaspopathy (type). Identifiers: Orphanet 98912, MedGen C4721886, MONDO:0012277, OMIM 609452.

Allele frequency attached by ClinVar (database versions not stated): gnomAD exomes below 0.00001.
gnomAD v4.1: 1 of 1,614,166 alleles (0.000062%); highest among the groups gnomAD compares: Non-Finnish European, 0.000085%; no homozygotes.

Submissions (2):

Labcorp Genetics (formerly Invitae), Labcorp
Classification: Uncertain significance for Myofibrillar myopathy 4. Last evaluated: 2023-07-07. Review status: criteria provided, single submitter. Criteria: Invitae Variant Classification Sherloc (09022015). Collection method: clinical testing. Allele origin: germline.
Comment: This sequence change replaces aspartic acid, which is acidic and polar, with asparagine, which is neutral and polar, at codon 53 of the LDB3 protein (p.Asp53Asn). This variant is not present in population databases (gnomAD no frequency). This variant has not been reported in the literature in individuals affected with LDB3-related conditions. ClinVar contains an entry for this variant (Variation ID: 1305240). An algorithm developed to predict the effect of missense changes on protein structure and function (PolyPhen-2) suggests that this variant is likely to be disruptive. In summary, the available evidence is currently insufficient to determine the role of this variant in disease. Therefore, it has been classified as a Variant of Uncertain Significance.

GeneDx
Classification: Uncertain significance. Last evaluated: 2019-04-17. Review status: criteria provided, single submitter. Criteria: GeneDx Variant Classification Process June 2021. Collection method: clinical testing. Allele origin: germline. Affected: yes.
Comment: Has not been previously published as pathogenic or benign to our knowledge; In silico analysis, which includes protein predictors and evolutionary conservation, supports a deleterious effect; Not observed in large population cohorts (Lek et al., 2016)